The following is an entry in ClinVar:

ClinVar aggregate classification (germline): Uncertain significance (1 of 4 stars; one submission).

gnomAD v4.1: 1 of 1,614,208 alleles (0.000062%); highest among the groups gnomAD compares: South Asian, 0.0011%; no homozygotes.

Submission:

Labcorp Genetics (formerly Invitae), Labcorp
Classification: Uncertain significance. Last evaluated: 2025-04-09. Review status: criteria provided, single submitter. Criteria: Invitae Variant Classification Sherloc (09022015). Collection method: clinical testing. Allele origin: germline.
Comment: This sequence change replaces proline, which is neutral and non-polar, with threonine, which is neutral and polar, at codon 279 of the ALPK3 protein (p.Pro279Thr). This variant is present in population databases (rs773065366, gnomAD 0.003%). This variant has not been reported in the literature in individuals affected with ALPK3-related conditions. ClinVar contains an entry for this variant (Variation ID: 3648794). An algorithm developed to predict the effect of missense changes on protein structure and function (PolyPhen-2) suggests that this variant is likely to be disruptive. In summary, the available evidence is currently insufficient to determine the role of this variant in disease. Therefore, it has been classified as a Variant of Uncertain Significance.

NM_020778.5(ALPK3):c.229C>A (p.Pro77Thr)

Gene: ALPK3 (alpha kinase 3; plus strand). Cytogenetic location: 15q25.3.
Variant type: single nucleotide variant.
Coding change: c.229C>A on transcript NM_020778.5 (MANE Select); coding-DNA position 229, C replaced by A.
Protein change: p.Pro77Thr; replaces proline 77 with threonine.
Molecular consequence: missense variant.
Genome position (GRCh38, 1-based): chr15:84,827,530, C>A. VCF-style: chr15-84827530-C-A. GRCh37 (hg19) VCF-style: chr15-85370761-C-A.
Other names: short protein forms P77T.
Identifiers: ClinVar variation 3648794 (VCV003648794.2).